The following is an entry in ClinVar:

NM_032043.3(BRIP1):c.3398C>T (p.Thr1133Ile)

Gene: BRIP1 (BRCA1 interacting DNA helicase 1; minus strand). Cytogenetic location: 17q23.2.
Variant type: single nucleotide variant.
Coding change: c.3398C>T on transcript NM_032043.3 (MANE Select); coding-DNA position 3398, C replaced by T.
Protein change: p.Thr1133Ile; replaces threonine 1133 with isoleucine.
Molecular consequence: missense variant.
Genome position (GRCh38, 1-based): chr17:61,683,648, G>A on the plus strand (C>T on the coding strand, the complement: BRIP1 is on the minus strand). VCF-style: chr17-61683648-G-A. GRCh37 (hg19) VCF-style: chr17-59761009-G-A.
Other names: short protein forms T1133I.
Identifiers: ClinVar variation 461150 (VCV000461150.14), dbSNP rs1555572645, ClinGen allele CA400478812.

ClinVar aggregate classification (germline): Uncertain significance. Review status: criteria provided, multiple submitters, no conflicts (2 of 4 stars). 2 submissions from 2 submitters: Uncertain significance (2). Last evaluated 2025-07-09.

Conditions:
Hereditary cancer-predisposing syndrome. Also called: Hereditary neoplastic syndrome; Neoplastic Syndromes, Hereditary; Tumor predisposition; Hereditary Cancer Syndrome. Identifiers: Orphanet 140162, MedGen C0027672, MeSH D009386, MONDO:0015356.
Fanconi anemia complementation group J. Also called: BRIP1-Related Fanconi Anemia. Identifiers: Orphanet 84, MedGen C1836860, MONDO:0012187, OMIM 609054.
Familial cancer of breast. Also called: BREAST CANCER, FAMILIAL; hereditary breast carcinoma; Hereditary breast cancer. Identifiers: Orphanet 227535, MedGen C0346153, MONDO:0016419, OMIM 114480. Disease mechanism: loss of function.

Allele frequency attached by ClinVar (database versions not stated): gnomAD exomes below 0.00001.
gnomAD v4.1: 1 of 1,612,894 alleles (0.000062%); highest among the groups gnomAD compares: Non-Finnish European, 0.000085%; no homozygotes.

Submissions (2):

Labcorp Genetics (formerly Invitae), Labcorp
Classification: Uncertain significance for Familial cancer of breast; Fanconi anemia complementation group J. Last evaluated: 2025-07-09. Review status: criteria provided, single submitter. Criteria: Invitae Variant Classification Sherloc (09022015). Collection method: clinical testing. Allele origin: germline.
Comment: This sequence change replaces threonine, which is neutral and polar, with isoleucine, which is neutral and non-polar, at codon 1133 of the BRIP1 protein (p.Thr1133Ile). This variant is not present in population databases (gnomAD no frequency). This variant has not been reported in the literature in individuals affected with BRIP1-related conditions. ClinVar contains an entry for this variant (Variation ID: 461150). Invitae Evidence Modeling of protein sequence and biophysical properties (such as structural, functional, and spatial information, amino acid conservation, physicochemical variation, residue mobility, and thermodynamic stability) has been performed for this missense variant. However, the output from this modeling did not meet the statistical confidence thresholds required to predict the impact of this variant on BRIP1 protein function. In summary, the available evidence is currently insufficient to determine the role of this variant in disease. Therefore, it has been classified as a Variant of Uncertain Significance.

Ambry Genetics
Classification: Uncertain significance for Hereditary cancer-predisposing syndrome. Last evaluated: 2018-05-10. Review status: criteria provided, single submitter. Criteria: Ambry Variant Classification Scheme 2023. Collection method: clinical testing. Allele origin: germline.
Comment: The p.T1133I variant (also known as c.3398C>T), located in coding exon 19 of the BRIP1 gene, results from a C to T substitution at nucleotide position 3398. The threonine at codon 1133 is replaced by isoleucine, an amino acid with similar properties. This amino acid position is highly conserved in available vertebrate species. In addition, the in silico prediction for this alteration is inconclusive. Since supporting evidence is limited at this time, the clinical significance of this alteration remains unclear.